The following is an entry in ClinVar:

ClinVar aggregate classification (germline): Likely benign. Review status: criteria provided, multiple submitters, no conflicts (2 of 4 stars). 3 submissions from 3 submitters: Likely benign (3). Last evaluated 2026-08-05.

Conditions:
SACS-related disorder. Also called: SACS-related condition.
Spastic paraplegia. Identifiers: MedGen C0037772, HP:0001258.

Allele frequency attached by ClinVar (database versions not stated): gnomAD 0.00001; TOPMed 0.00001; ExAC 0.00002; ESP Exome Variant Server 0.00015.
gnomAD v4.1: 29 of 1,613,460 alleles (0.0018%); highest among the groups gnomAD compares: South Asian, 0.0044%; no homozygotes.

Submissions (3):

PreventionGenetics, part of Exact Sciences
Classification: Likely benign for SACS-related condition. Last evaluated: 2026-08-05. Review status: criteria provided, single submitter. Criteria: ACMG Guidelines, 2015. Collection method: clinical testing. Allele origin: germline.
Comment: This variant is classified as likely benign based on ACMG/AMP sequence variant interpretation guidelines (Richards et al. 2015 PMID: 25741868, with internal and published modifications).

Labcorp Genetics (formerly Invitae), Labcorp
Classification: Likely benign for Spastic paraplegia. Last evaluated: 2024-03-17. Review status: criteria provided, single submitter. Criteria: Invitae Variant Classification Sherloc (09022015). Collection method: clinical testing. Allele origin: germline.

CeGaT Center for Human Genetics Tuebingen
Classification: Likely benign. Last evaluated: 2024-01-01. Review status: criteria provided, single submitter. Criteria: CeGaT Center For Human Genetics Tuebingen Variant Classification Criteria Version 2. Collection method: clinical testing. Allele origin: germline. Affected: yes. Observed: 1 variant allele.
Comment: SACS: BP4, BP7

NM_014363.6(SACS):c.2682G>A (p.Ser894=)

Gene: SACS (sacsin molecular chaperone; minus strand). Cytogenetic location: 13q12.12.
Variant type: single nucleotide variant.
Coding change: c.2682G>A on transcript NM_014363.6 (MANE Select); coding-DNA position 2682, G replaced by A.
Protein change: p.Ser894=; no amino-acid change (serine 894 retained).
Molecular consequence: synonymous variant.
Genome position (GRCh38, 1-based): chr13:23,341,194, C>T on the plus strand (G>A on the coding strand, the complement: SACS is on the minus strand). VCF-style: chr13-23341194-C-T. GRCh37 (hg19) VCF-style: chr13-23915333-C-T.
Other names: c.2241G>A, p.Ser747= (NM_001278055.2).
Identifiers: ClinVar variation 458261 (VCV000458261.34), dbSNP rs369958174, ClinGen allele CA6911645.